The following is an entry in ClinVar:

NM_022078.3(GPATCH3):c.1386A>G (p.Pro462=)

Gene: GPATCH3 (G-patch domain containing 3; minus strand). Cytogenetic location: 1p36.11.
Variant type: single nucleotide variant.
Coding change: c.1386A>G on transcript NM_022078.3 (MANE Select); coding-DNA position 1386, A replaced by G.
Protein change: p.Pro462=; no amino-acid change (proline 462 retained).
Molecular consequence: synonymous variant.
Genome position (GRCh38, 1-based): chr1:26,891,202, T>C on the plus strand (A>G on the coding strand, the complement: GPATCH3 is on the minus strand). VCF-style: chr1-26891202-T-C. GRCh37 (hg19) VCF-style: chr1-27217693-T-C.
Identifiers: ClinVar variation 3038161 (VCV003038161.2), dbSNP rs140058066, ClinGen allele CA709064.

ClinVar aggregate classification (germline): Likely benign (0 of 4 stars; one submission).

Conditions:
GPATCH3-related disorder. Also called: GPATCH3-related condition.

Allele frequency attached by ClinVar (database versions not stated): ExAC 0.00029; ESP Exome Variant Server 0.00054; gnomAD 0.00079; TOPMed 0.00099; 1000 Genomes Project 0.00140; 1000 Genomes Project 30x 0.00172.
gnomAD v4.1: 248 of 1,613,446 alleles (0.015%); highest among the groups gnomAD compares: African/African-American, 0.3%; 1 homozygote.

Submission:

PreventionGenetics, part of Exact Sciences
Classification: Likely benign for GPATCH3-related condition. Last evaluated: 2019-05-03. Review status: no assertion criteria provided. Collection method: clinical testing. Allele origin: germline.
Comment: This variant is classified as likely benign based on ACMG/AMP sequence variant interpretation guidelines (Richards et al. 2015 PMID: 25741868, with internal and published modifications).